The following is an entry in ClinVar:

NM_000138.5(FBN1):c.6801C>A (p.Asn2267Lys)

Gene: FBN1 (fibrillin 1; minus strand). Cytogenetic location: 15q21.1.
Variant type: single nucleotide variant.
Coding change: c.6801C>A on transcript NM_000138.5 (MANE Select); coding-DNA position 6801, C replaced by A.
Protein change: p.Asn2267Lys; replaces asparagine 2267 with lysine.
Molecular consequence: missense variant.
Genome position (GRCh38, 1-based): chr15:48,430,741, G>T on the plus strand (C>A on the coding strand, the complement: FBN1 is on the minus strand). VCF-style: chr15-48430741-G-T. GRCh37 (hg19) VCF-style: chr15-48722938-G-T.
Other names: short protein forms N2267K.
Identifiers: ClinVar variation 549370 (VCV000549370.4), dbSNP rs886051245, ClinGen allele CA392332418.

ClinVar aggregate classification (germline): Likely pathogenic. Review status: criteria provided, single submitter (1 of 4 stars). 2 submissions from 2 submitters: Likely pathogenic (1). 1 of the submissions does not count toward it. Last evaluated 2022-09-23.

Conditions:
Marfan syndrome (MFS). Also called: Marfan syndrome type 1; Marfan syndrome, classic; Marfan's syndrome; FBN1-Related Marfan Syndrome; MARFAN SYNDROME, TYPE I. Identifiers: Orphanet 284963, Orphanet 558, MedGen C0024796, MONDO:0007947, OMIM 154700.

Submissions (2):

Greenwood Genetic Center Diagnostic Laboratories, Greenwood Genetic Center
Classification: Likely pathogenic for Marfan syndrome. Last evaluated: 2022-09-23. Review status: criteria provided, single submitter. Criteria: ACMG Guidelines, 2015. Collection method: clinical testing. Allele origin: germline. Affected: yes.
Comment: PS4_Supporting, PM2, PP1, PP2, PP3

Center for Medical Genetics Ghent, University of Ghent
Classification: Likely pathogenic for Marfan syndrome. Last evaluated: 2017-11-07. Review status: no assertion criteria provided. Collection method: clinical testing. Allele origin: germline. Affected: yes. Not counted in ClinVar's aggregate classification.